The following is an entry in ClinVar:

ClinVar aggregate classification (germline): Uncertain significance (1 of 4 stars; one submission).

gnomAD v4.1: 1 of 1,614,102 alleles (0.000062%); highest among the groups gnomAD compares: Non-Finnish European, 0.000085%; no homozygotes.

Submission:

Labcorp Genetics (formerly Invitae), Labcorp
Classification: Uncertain significance. Last evaluated: 2021-08-20. Review status: criteria provided, single submitter. Criteria: Invitae Variant Classification Sherloc (09022015). Collection method: clinical testing. Allele origin: germline.
Comment: This sequence change replaces isoleucine with leucine at codon 5126 of the USH2A protein (p.Ile5126Leu). The isoleucine residue is highly conserved and there is a small physicochemical difference between isoleucine and leucine. This variant is not present in population databases (ExAC no frequency). This variant has not been reported in the literature in individuals affected with USH2A-related conditions. Algorithms developed to predict the effect of missense changes on protein structure and function (SIFT, PolyPhen-2, Align-GVGD) all suggest that this variant is likely to be tolerated. In summary, the available evidence is currently insufficient to determine the role of this variant in disease. Therefore, it has been classified as a Variant of Uncertain Significance.

NM_206933.4(USH2A):c.15376A>C (p.Ile5126Leu)

Gene: USH2A (usherin; minus strand). Cytogenetic location: 1q41.
Variant type: single nucleotide variant.
Coding change: c.15376A>C on transcript NM_206933.4 (MANE Select); coding-DNA position 15376, A replaced by C.
Protein change: p.Ile5126Leu; replaces isoleucine 5126 with leucine.
Molecular consequence: missense variant.
Genome position (GRCh38, 1-based): chr1:215,628,957, T>G on the plus strand (A>C on the coding strand, the complement: USH2A is on the minus strand). VCF-style: chr1-215628957-T-G. GRCh37 (hg19) VCF-style: chr1-215802299-T-G.
Other names: short protein forms I5126L.
Identifiers: ClinVar variation 1014920 (VCV001014920.6), dbSNP rs1027282224, ClinGen allele CA344821148.
Genomic context (GRCh38, chr1:215,628,957, plus strand): 5'-TGACGCTGCGGTGAAGAGAACCCTGGGAGTAGGTTAGGCTGGTTTGGTTTTGACTCGGGA[T>G]GCGCAGGACACATGCACTCCGGTTGCTGCGGATACTCACAGGTGTCCCAGACCGGGGAAT-3'
Protein context (NP_996816.3, residues 5116-5136): RSNRSACVLR[Ile5126Leu]PSQNQTSLTY